The following is an entry in ClinVar:

ClinVar aggregate classification (germline): Uncertain significance (1 of 4 stars; one submission).

Submission:

Labcorp Genetics (formerly Invitae), Labcorp
Classification: Uncertain significance. Last evaluated: 2022-05-02. Review status: criteria provided, single submitter. Criteria: Invitae Variant Classification Sherloc (09022015). Collection method: clinical testing. Allele origin: germline.
Comment: In summary, the available evidence is currently insufficient to determine the role of this variant in disease. Therefore, it has been classified as a Variant of Uncertain Significance. Algorithms developed to predict the effect of missense changes on protein structure and function are either unavailable or do not agree on the potential impact of this missense change (SIFT: "Deleterious"; PolyPhen-2: "Benign"; Align-GVGD: "Class C0"). This variant has not been reported in the literature in individuals affected with CTNNA1-related conditions. This variant is not present in population databases (gnomAD no frequency). This sequence change replaces asparagine, which is neutral and polar, with serine, which is neutral and polar, at codon 517 of the CTNNA1 protein (p.Asn517Ser).

NM_001903.5(CTNNA1):c.1550A>G (p.Asn517Ser)

Gene: CTNNA1 (catenin alpha 1; plus strand). Cytogenetic location: 5q31.2.
Variant type: single nucleotide variant.
Coding change: c.1550A>G on transcript NM_001903.5 (MANE Select); coding-DNA position 1550, A replaced by G.
Protein change: p.Asn517Ser; replaces asparagine 517 with serine.
Molecular consequence: missense variant.
Genome position (GRCh38, 1-based): chr5:138,924,513, A>G. VCF-style: chr5-138924513-A-G. GRCh37 (hg19) VCF-style: chr5-138260202-A-G.
Other names: c.1550A>G, p.Asn517Ser (NM_001290307.3, NM_001323982.2, NM_001323983.1 and 2 more transcripts); c.1241A>G, p.Asn414Ser (NM_001290309.3); c.1181A>G, p.Asn394Ser (NM_001290310.3); c.440A>G, p.Asn147Ser (NM_001290312.1, NM_001323987.1, NM_001323988.1 and 17 more transcripts); c.1457A>G, p.Asn486Ser (NM_001323986.2); c.101A>G, p.Asn34Ser (NM_001324006.1, NM_001324007.1, NM_001324008.1 and 2 more transcripts); c.347A>G, p.Asn116Ser (NM_001324011.1); c.197A>G, p.Asn66Ser (NM_001324012.1, NM_001324013.1); short protein forms N486S, N517S, N116S, N414S, N66S, N147S, N34S, N394S.
Identifiers: ClinVar variation 1907573 (VCV001907573.5), dbSNP rs2533706806, ClinGen allele CA361131677.